The following is an entry in ClinVar:

ClinVar aggregate classification (germline): Likely benign (1 of 4 stars; one submission).

Conditions:
SEPN1-related disorder. Also called: SEPN1-Related Disorders. Identifiers: MedGen CN239420.

Allele frequency attached by ClinVar (database versions not stated): gnomAD 0.00429 and 0.00227; 1000 Genomes Project 30x 0.01171; 1000 Genomes Project 0.01338; gnomAD exomes 0.00190; TOPMed 0.00257.
gnomAD v4.1: 649 of 152,862 alleles (0.42%); highest among the groups gnomAD compares: South Asian, 6.4%; 12 homozygotes.

Submission:

Illumina Laboratory Services, Illumina
Classification: Likely benign for SEPN1-Related Disorders. Last evaluated: 2017-04-27. Review status: criteria provided, single submitter. Criteria: ICSL Variant Classification Criteria 13 December 2019. Collection method: clinical testing. Allele origin: germline.
Comment: This variant was observed as part of a predisposition screen in an ostensibly healthy population. A literature search was performed for the gene, cDNA change, and amino acid change (where applicable). No publications were found based on this search. Allele frequency data from public databases allowed determination this variant is unlikely to cause disease. Therefore, this variant is classified as likely benign.

NM_206926.2(SELENON):c.*855C>T

Gene: SELENON (selenoprotein N; plus strand). Cytogenetic location: 1p36.11.
Variant type: single nucleotide variant.
Coding change: c.*855C>T on transcript NM_206926.2 (MANE Select); 855 bases downstream of the stop codon, C replaced by T.
Molecular consequence: 3 prime UTR variant.
Genome position (GRCh38, 1-based): chr1:25,816,573, C>T. VCF-style: chr1-25816573-C-T. GRCh37 (hg19) VCF-style: chr1-26143064-C-T.
Other names: c.*855C>T (NM_020451.3).
Identifiers: ClinVar variation 297044 (VCV000297044.5), dbSNP rs367601736, ClinGen allele CA10609779.